The following is an entry in ClinVar:

ClinVar aggregate classification (germline): Uncertain significance (1 of 4 stars; one submission).

Conditions:
Epidermolysis bullosa simplex 5B, with muscular dystrophy (EBS5B). Also called: EPIDERMOLYSIS BULLOSA SIMPLEX AND LIMB-GIRDLE MUSCULAR DYSTROPHY; Epidermolysis bullosa simplex with muscular dystrophy. Identifiers: Orphanet 257, MedGen C2931072, MONDO:0009181, OMIM 226670.
Epidermolysis bullosa simplex, Ogna type (EBS5A). Also called: Pidermolysis bullosa simplex 5A, Ogna type; EPIDERMOLYSIS BULLOSA SIMPLEX 5A, OGNA TYPE. Identifiers: Orphanet 79401, MedGen C0432317, MONDO:0007555, OMIM 131950.
Epidermolysis bullosa simplex with nail dystrophy (EBS5D). Identifiers: MedGen C4225309, MONDO:0014661, OMIM 616487.
Autosomal recessive limb-girdle muscular dystrophy type 2Q (LGMDR17). Also called: MUSCULAR DYSTROPHY, LIMB-GIRDLE, AUTOSOMAL RECESSIVE 17. Identifiers: Orphanet 254361, MedGen C3150989, MONDO:0013390, OMIM 613723.
Epidermolysis bullosa simplex 5C, with pyloric atresia (EBS5C). Also called: PLEC1-Related Epidermolysis Bullosa with Pyloric Atresia; PLEC-Related Epidermolysis Bullosa with Pyloric Atresia; Epidermolysis bullosa simplex with pyloric atresia. Identifiers: Orphanet 158684, MedGen C2677349, MONDO:0012807, OMIM 612138.

Submission:

Labcorp Genetics (formerly Invitae), Labcorp
Classification: Uncertain significance for Autosomal recessive limb-girdle muscular dystrophy type 2Q; Epidermolysis bullosa simplex, Ogna type; Epidermolysis bullosa simplex with nail dystrophy; Epidermolysis bullosa simplex 5C, with pyloric atresia; Epidermolysis bullosa simplex 5B, with muscular dystrophy. Last evaluated: 2024-02-24. Review status: criteria provided, single submitter. Criteria: Invitae Variant Classification Sherloc (09022015). Collection method: clinical testing. Allele origin: germline.
Comment: This sequence change replaces histidine, which is basic and polar, with arginine, which is basic and polar, at codon 3844 of the PLEC protein (p.His3844Arg). This variant is not present in population databases (gnomAD no frequency). This variant has not been reported in the literature in individuals affected with PLEC-related conditions. ClinVar contains an entry for this variant (Variation ID: 1461534). An algorithm developed to predict the effect of missense changes on protein structure and function (PolyPhen-2) suggests that this variant is likely to be tolerated. In summary, the available evidence is currently insufficient to determine the role of this variant in disease. Therefore, it has been classified as a Variant of Uncertain Significance.

NM_201384.3(PLEC):c.11450A>G (p.His3817Arg)

Gene: PLEC (plectin; minus strand). Cytogenetic location: 8q24.3.
Variant type: single nucleotide variant.
Coding change: c.11450A>G on transcript NM_201384.3 (MANE Select); coding-DNA position 11450, A replaced by G.
Protein change: p.His3817Arg; replaces histidine 3817 with arginine.
Molecular consequence: missense variant.
Genome position (GRCh38, 1-based): chr8:143,918,371, T>C on the plus strand (A>G on the coding strand, the complement: PLEC is on the minus strand). VCF-style: chr8-143918371-T-C. GRCh37 (hg19) VCF-style: chr8-144992539-T-C.
Other names: c.11462A>G, p.His3821Arg (NM_201383.3); c.11531A>G, p.His3844Arg (NM_000445.5); c.11408A>G, p.His3803Arg (NM_201378.4); c.11384A>G, p.His3795Arg (NM_201379.3); c.11861A>G, p.His3954Arg (NM_201380.4); c.11354A>G, p.His3785Arg (NM_201381.3); c.11450A>G, p.His3817Arg (NM_201382.4); short protein forms H3803R, H3817R, H3954R, H3785R, H3795R, H3821R, H3844R.
Identifiers: ClinVar variation 1461534 (VCV001461534.8), dbSNP rs2130912080, ClinGen allele CA372490643.